The following is an entry in ClinVar:

NM_001271.4(CHD2):c.630G>T (p.Glu210Asp)

Gene: CHD2 (chromodomain helicase DNA binding protein 2; plus strand). Cytogenetic location: 15q26.1.
Variant type: single nucleotide variant.
Coding change: c.630G>T on transcript NM_001271.4 (MANE Select); coding-DNA position 630, G replaced by T.
Protein change: p.Glu210Asp; replaces glutamic acid 210 with aspartic acid.
Molecular consequence: missense variant.
Genome position (GRCh38, 1-based): chr15:92,939,656, G>T. VCF-style: chr15-92939656-G-T. GRCh37 (hg19) VCF-style: chr15-93482886-G-T.
Other names: c.630G>T, p.Glu210Asp (NM_001042572.3); short protein forms E210D.
Identifiers: ClinVar variation 425076 (VCV000425076.55), dbSNP rs749147803, ClinGen allele CA7747584.

ClinVar aggregate classification (germline): Conflicting classifications of pathogenicity. Review status: criteria provided, conflicting classifications (1 of 4 stars). 4 submissions from 4 submitters: Uncertain significance (2); Likely benign (2). Last evaluated 2025-08-10.

Conditions:
Inborn genetic diseases. Identifiers: MedGen C0950123, MeSH D030342.
Developmental and epileptic encephalopathy 94 (DEE94). Also called: Epileptic encephalopathy, childhood-onset; CHD2-Related Neurodevelopmental Disorders. Identifiers: Orphanet 1942, Orphanet 2382, MedGen C3809278, MONDO:0014150, OMIM 615369.

Allele frequency attached by ClinVar (database versions not stated): gnomAD 0.00001; gnomAD exomes 0.00002 and 0.00003; TOPMed 0.00002; ExAC 0.00003.
gnomAD v4.1: 31 of 1,613,934 alleles (0.0019%); highest among the groups gnomAD compares: Admixed American, 0.0033%; no homozygotes.

Submissions (4):

Labcorp Genetics (formerly Invitae), Labcorp
Classification: Uncertain significance for Developmental and epileptic encephalopathy 94. Last evaluated: 2025-08-10. Review status: criteria provided, single submitter. Criteria: Invitae Variant Classification Sherloc (09022015). Collection method: clinical testing. Allele origin: germline.
Comment: This sequence change replaces glutamic acid, which is acidic and polar, with aspartic acid, which is acidic and polar, at codon 210 of the CHD2 protein (p.Glu210Asp). This variant is present in population databases (rs749147803, gnomAD 0.004%). This variant has not been reported in the literature in individuals affected with CHD2-related conditions. ClinVar contains an entry for this variant (Variation ID: 425076). Invitae Evidence Modeling of protein sequence and biophysical properties (such as structural, functional, and spatial information, amino acid conservation, physicochemical variation, residue mobility, and thermodynamic stability) indicates that this missense variant is not expected to disrupt CHD2 protein function with a negative predictive value of 95%. In summary, the available evidence is currently insufficient to determine the role of this variant in disease. Therefore, it has been classified as a Variant of Uncertain Significance.

GeneDx
Classification: Likely benign. Last evaluated: 2018-12-10. Review status: criteria provided, single submitter. Criteria: GeneDx Variant Classification Process June 2021. Collection method: clinical testing. Allele origin: germline. Affected: yes.

Ambry Genetics
Classification: Likely benign for Inborn genetic diseases. Last evaluated: 2017-03-24. Review status: criteria provided, single submitter. Criteria: Ambry Variant Classification Scheme 2023. Collection method: clinical testing. Allele origin: germline.

CeGaT Center for Human Genetics Tuebingen
Classification: Uncertain significance. Last evaluated: 2016-11-01. Review status: criteria provided, single submitter. Criteria: CeGaT Center For Human Genetics Tuebingen Variant Classification Criteria Version 2. Collection method: clinical testing. Allele origin: germline. Affected: yes. Observed: 1 variant allele.